The following is an entry in ClinVar:

NM_015215.4(CAMTA1):c.4622G>T (p.Arg1541Leu)

Gene: CAMTA1 (calmodulin binding transcription activator 1; plus strand). Cytogenetic location: 1p36.23.
Variant type: single nucleotide variant.
Coding change: c.4622G>T on transcript NM_015215.4 (MANE Select); coding-DNA position 4622, G replaced by T.
Protein change: p.Arg1541Leu; replaces arginine 1541 with leucine.
Molecular consequence: missense variant.
Genome position (GRCh38, 1-based): chr1:7,747,714, G>T. VCF-style: chr1-7747714-G-T. GRCh37 (hg19) VCF-style: chr1-7807774-G-T.
Other names: c.4532G>T, p.Arg1511Leu (NM_001349608.2); c.4283G>T, p.Arg1428Leu (NM_001349609.2, NM_001349610.2, NM_001410737.1); c.4193G>T, p.Arg1398Leu (NM_001349612.2); c.1751G>T, p.Arg584Leu (NM_001349613.1); c.1694G>T, p.Arg565Leu (NM_001349614.1, NM_001349615.2, NM_001349616.2 and 2 more transcripts); c.1355G>T, p.Arg452Leu (NM_001349619.2, NM_001349620.1, NM_001349621.1 and 5 more transcripts); c.4211G>T, p.Arg1404Leu (NM_001410738.1); short protein forms R1398L, R1404L, R1428L, R1511L, R1541L, R452L, R565L, R584L.
Identifiers: ClinVar variation 2431696 (VCV002431696.1), dbSNP rs763414587, ClinGen allele CA338142654.

ClinVar aggregate classification (germline): Uncertain significance (1 of 4 stars; one submission).

Conditions:
Cerebellar dysfunction with variable cognitive and behavioral abnormalities (CECBA). Also called: Nonprogressive cerebellar atxia with intellectual disability. Identifiers: Orphanet 314647, MedGen C3553661, MONDO:0013886, OMIM 614756.

gnomAD v4.1: 2 of 1,606,166 alleles (0.00012%); highest among the groups gnomAD compares: South Asian, 0.0022%; no homozygotes.

Submission:

Laboratorio de Genetica e Diagnostico Molecular, Hospital Israelita Albert Einstein
Classification: Uncertain significance for Cerebellar dysfunction with variable cognitive and behavioral abnormalities. Last evaluated: 2022-11-18. Review status: criteria provided, single submitter. Criteria: ACMG Guidelines, 2015. Collection method: clinical testing. Allele origin: germline. Affected: yes. Observed: 1 variant allele.
Comment: ACMG classification criteria: PM2 moderated, PP2 supporting, PP3 supporting